The following is an entry in ClinVar:

ClinVar aggregate classification (germline): Uncertain significance. Review status: criteria provided, multiple submitters, no conflicts (2 of 4 stars). 2 submissions from 2 submitters: Uncertain significance (2). Last evaluated 2025-08-20.

Allele frequency attached by ClinVar (database versions not stated): ESP Exome Variant Server 0.00008; 1000 Genomes Project 30x 0.00016; 1000 Genomes Project 0.00020.
gnomAD v4.1: 95 of 1,613,924 alleles (0.0059%); highest among the groups gnomAD compares: Middle Eastern, 0.066%; 1 homozygote.

Submissions (2):

Ambry Genetics
Classification: Uncertain significance. Last evaluated: 2025-08-20. Review status: criteria provided, single submitter. Criteria: Ambry Variant Classification Scheme 2023. Collection method: clinical testing. Allele origin: germline.

Labcorp Genetics (formerly Invitae), Labcorp
Classification: Uncertain significance. Last evaluated: 2024-10-07. Review status: criteria provided, single submitter. Criteria: Invitae Variant Classification Sherloc (09022015). Collection method: clinical testing. Allele origin: germline.
Comment: This sequence change replaces phenylalanine, which is neutral and non-polar, with leucine, which is neutral and non-polar, at codon 139 of the BCAT2 protein (p.Phe139Leu). This variant is present in population databases (rs145585685, gnomAD 0.03%). This variant has not been reported in the literature in individuals affected with BCAT2-related conditions. ClinVar contains an entry for this variant (Variation ID: 2174406). Invitae Evidence Modeling of protein sequence and biophysical properties (such as structural, functional, and spatial information, amino acid conservation, physicochemical variation, residue mobility, and thermodynamic stability) indicates that this missense variant is not expected to disrupt BCAT2 protein function with a negative predictive value of 80%. In summary, the available evidence is currently insufficient to determine the role of this variant in disease. Therefore, it has been classified as a Variant of Uncertain Significance.

NM_001190.4(BCAT2):c.417C>A (p.Phe139Leu)

Gene: BCAT2 (branched chain amino acid transaminase 2; minus strand). Cytogenetic location: 19q13.33.
Variant type: single nucleotide variant.
Coding change: c.417C>A on transcript NM_001190.4 (MANE Select); coding-DNA position 417, C replaced by A.
Protein change: p.Phe139Leu; replaces phenylalanine 139 with leucine.
Molecular consequence: missense variant.
Genome position (GRCh38, 1-based): chr19:48,800,095, G>T on the plus strand (C>A on the coding strand, the complement: BCAT2 is on the minus strand). VCF-style: chr19-48800095-G-T. GRCh37 (hg19) VCF-style: chr19-49303352-G-T.
Other names: c.417C>A (NM_001190.3); c.141C>A, p.Phe47Leu (NM_001164773.2); c.297C>A, p.Phe99Leu (NM_001284325.2); short protein forms F47L, F99L, F139L.
Identifiers: ClinVar variation 2174406 (VCV002174406.5), dbSNP rs145585685, ClinGen allele CA9558417.